The following is an entry in ClinVar:

NM_001378778.1(MPDZ):c.1291G>A (p.Val431Ile)

Gene: MPDZ (multiple PDZ domain crumbs cell polarity complex component; minus strand). Cytogenetic location: 9p23.
Variant type: single nucleotide variant.
Coding change: c.1291G>A on transcript NM_001378778.1 (MANE Select); coding-DNA position 1291, G replaced by A.
Protein change: p.Val431Ile; replaces valine 431 with isoleucine.
Molecular consequence: missense variant.
Genome position (GRCh38, 1-based): chr9:13,206,099, C>T on the plus strand (G>A on the coding strand, the complement: MPDZ is on the minus strand). VCF-style: chr9-13206099-C-T. GRCh37 (hg19) VCF-style: chr9-13206098-C-T.
Other names: c.1291G>A, p.Val431Ile (NM_001261406.2, NM_001261407.2, NM_001330637.2 and 14 more transcripts); short protein forms V431I.
Identifiers: ClinVar variation 3014659 (VCV003014659.3), dbSNP rs1956956636, ClinGen allele CA372943443.

ClinVar aggregate classification (germline): Uncertain significance (1 of 4 stars; one submission).

Allele frequency attached by ClinVar (database versions not stated): gnomAD 0.00001.
gnomAD v4.1: 6 of 1,562,504 alleles (0.00038%); highest among the groups gnomAD compares: Middle Eastern, 0.034%; no homozygotes.

Submission:

Labcorp Genetics (formerly Invitae), Labcorp
Classification: Uncertain significance. Last evaluated: 2023-01-30. Review status: criteria provided, single submitter. Criteria: Invitae Variant Classification Sherloc (09022015). Collection method: clinical testing. Allele origin: germline.
Comment: This variant has not been reported in the literature in individuals affected with MPDZ-related conditions. In summary, the available evidence is currently insufficient to determine the role of this variant in disease. Therefore, it has been classified as a Variant of Uncertain Significance. Algorithms developed to predict the effect of sequence changes on RNA splicing suggest that this variant may create or strengthen a splice site. Algorithms developed to predict the effect of missense changes on protein structure and function (SIFT, PolyPhen-2, Align-GVGD) all suggest that this variant is likely to be disruptive. This variant is not present in population databases (gnomAD no frequency). This sequence change replaces valine, which is neutral and non-polar, with isoleucine, which is neutral and non-polar, at codon 431 of the MPDZ protein (p.Val431Ile).